The following is an entry in ClinVar:

ClinVar aggregate classification (germline): Likely benign. Review status: criteria provided, single submitter (1 of 4 stars). 2 submissions from 2 submitters: Likely benign (1). 1 of the submissions does not count toward it. Last evaluated 2025-09-03.

Conditions:
TGFB1-related disorder. Also called: TGFB1-related condition.

Allele frequency attached by ClinVar (database versions not stated): gnomAD exomes 0.00003; ExAC 0.00005; gnomAD 0.00018 and 0.00019; TOPMed 0.00019; 1000 Genomes Project 0.00020; ESP Exome Variant Server 0.00023; 1000 Genomes Project 30x 0.00031.
gnomAD v4.1: 77 of 1,613,238 alleles (0.0048%); highest among the groups gnomAD compares: African/African-American, 0.072%; no homozygotes.

Submissions (2):

Labcorp Genetics (formerly Invitae), Labcorp
Classification: Likely benign. Last evaluated: 2025-09-03. Review status: criteria provided, single submitter. Criteria: Invitae Variant Classification Sherloc (09022015). Collection method: clinical testing. Allele origin: germline.

PreventionGenetics, part of Exact Sciences
Classification: Likely benign for TGFB1-related condition. Last evaluated: 2019-07-01. Review status: no assertion criteria provided. Collection method: clinical testing. Allele origin: germline. Not counted in ClinVar's aggregate classification.
Comment: This variant is classified as likely benign based on ACMG/AMP sequence variant interpretation guidelines (Richards et al. 2015 PMID: 25741868, with internal and published modifications).

NM_000660.7(TGFB1):c.291C>T (p.Pro97=)

Genes: TGFB1 (transforming growth factor beta 1; minus strand), LOC130064510 (ATAC-STARR-seq lymphoblastoid silent region 10661; plus strand). Cytogenetic location: 19q13.2.
Variant type: single nucleotide variant.
Coding change: c.291C>T on transcript NM_000660.7 (MANE Select); coding-DNA position 291, C replaced by T.
Protein change: p.Pro97=; no amino-acid change (proline 97 retained).
Molecular consequence: synonymous variant.
Genome position (GRCh38, 1-based): chr19:41,352,754, G>A on the plus strand (C>T on the coding strand, the complement: TGFB1 is on the minus strand). VCF-style: chr19-41352754-G-A. GRCh37 (hg19) VCF-style: chr19-41858659-G-A.
Other names: c.291C>T (NM_000660.6).
Identifiers: ClinVar variation 1617605 (VCV001617605.10), dbSNP rs147873920, ClinGen allele CA9460149.